The following is an entry in ClinVar:

NC_000015.9:g.(?_91333859)_(91337607_?)del

Gene: BLM (BLM RecQ like helicase; plus strand). Cytogenetic location: 15q26.1.
Variant type: Deletion.
Identifiers: ClinVar variation 3243686 (VCV003243686.1).

ClinVar aggregate classification (germline): Pathogenic (1 of 4 stars; one submission).

Conditions:
Bloom syndrome (BLM). Also called: Bloom-Torre-Machacek syndrome. Identifiers: Orphanet 125, MedGen C0005859, MONDO:0008876, OMIM 210900.

Submission:

Labcorp Genetics (formerly Invitae), Labcorp
Classification: Pathogenic for Bloom syndrome. Last evaluated: 2022-12-30. Review status: criteria provided, single submitter. Criteria: Invitae Variant Classification Sherloc (09022015). Collection method: clinical testing. Allele origin: unknown.
Comment: For these reasons, this variant has been classified as Pathogenic. This variant disrupts a region of the BLM protein in which other variant(s) (p.Cys1055Ser) have been determined to be pathogenic (PMID: 7585968, 9840919, 10069810, 11399766, 17407155, 28877996). This suggests that this is a clinically significant region of the protein, and that variants that disrupt it are likely to be disease-causing. This variant has not been reported in the literature in individuals affected with BLM-related conditions. This variant is a gross deletion of the genomic region encompassing exon(s) 15-16 of the BLM gene. This variant would be expected to be in-frame, preserving the integrity of the reading frame.

Literature cited by the submitters: PubMed 7585968; PubMed 9840919; PubMed 10069810; PubMed 11399766; PubMed 17407155; PubMed 28877996.